The following is an entry in ClinVar:

ClinVar aggregate classification (germline): Uncertain significance (1 of 4 stars; one submission).

Conditions:
Congenital muscular dystrophy due to integrin alpha-7 deficiency. Also called: MYOPATHY, CONGENITAL, DUE TO INTEGRIN ALPHA-7 DEFICIENCY; Congenital muscular dystrophy with integrin alpha-7 deficiency; Muscular dystrophy, congenital, due to ITGA7 deficiency. Identifiers: Orphanet 34520, MedGen C2750786, MONDO:0013177, OMIM 613204.

Allele frequency attached by ClinVar (database versions not stated): gnomAD exomes below 0.00001 and 0.00001; ExAC 0.00002; 1000 Genomes Project 0.00020; 1000 Genomes Project 30x 0.00047.

Submission:

Labcorp Genetics (formerly Invitae), Labcorp
Classification: Uncertain significance for Congenital muscular dystrophy due to integrin alpha-7 deficiency. Last evaluated: 2021-08-27. Review status: criteria provided, single submitter. Criteria: Invitae Variant Classification Sherloc (09022015). Collection method: clinical testing. Allele origin: germline.
Comment: This sequence change replaces aspartic acid with glycine at codon 669 of the ITGA7 protein (p.Asp669Gly). The aspartic acid residue is moderately conserved and there is a moderate physicochemical difference between aspartic acid and glycine. This variant is present in population databases (rs529009372, ExAC 0.01%). This variant has not been reported in the literature in individuals affected with ITGA7-related conditions. Algorithms developed to predict the effect of missense changes on protein structure and function are either unavailable or do not agree on the potential impact of this missense change (SIFT: "Deleterious"; PolyPhen-2: "Benign"; Align-GVGD: "Class C0"). Algorithms developed to predict the effect of sequence changes on RNA splicing suggest that this variant may create or strengthen a splice site. In summary, the available evidence is currently insufficient to determine the role of this variant in disease. Therefore, it has been classified as a Variant of Uncertain Significance.

NM_002206.3(ITGA7):c.2006A>G (p.Asp669Gly)

Genes: ITGA7 (integrin subunit alpha 7; minus strand), LOC126861535 (CDK7 strongly-dependent group 2 enhancer GRCh37_chr12:56087579-56088778; plus strand). Cytogenetic location: 12q13.2.
Variant type: single nucleotide variant.
Coding change: c.2006A>G on transcript NM_002206.3 (MANE Select); coding-DNA position 2006, A replaced by G.
Protein change: p.Asp669Gly; replaces aspartic acid 669 with glycine.
Molecular consequence: missense variant.
Genome position (GRCh38, 1-based): chr12:55,694,968, T>C on the plus strand (A>G on the coding strand, the complement: ITGA7 is on the minus strand). VCF-style: chr12-55694968-T-C. GRCh37 (hg19) VCF-style: chr12-56088752-T-C.
Other names: c.2018A>G, p.Asp673Gly (NM_001144996.2); c.1727A>G, p.Asp576Gly (NM_001144997.2); c.1679A>G, p.Asp560Gly (NM_001367993.1); c.662A>G, p.Asp221Gly (NM_001367994.1); c.1988A>G, p.Asp663Gly (NM_001374465.1); c.2138A>G, p.Asp713Gly (NM_001410977.1); c.2000A>G, p.Asp667Gly (NM_001414029.1); c.1931A>G, p.Asp644Gly (NM_001414030.1); and 4 more; short protein forms D663G, D669G, D221G, D560G, D576G, D673G, D713G, D608G.
Identifiers: ClinVar variation 1358461 (VCV001358461.5), dbSNP rs529009372, ClinGen allele CA6615750.